The following is an entry in ClinVar:

ClinVar aggregate classification (germline): Conflicting classifications of pathogenicity. Review status: criteria provided, conflicting classifications (1 of 4 stars). 7 submissions from 6 submitters: Uncertain significance (2); Likely benign (5). Last evaluated 2026-03-27.

Conditions:
LEOPARD syndrome 2 (LPRD2). Also called: RAF1-Related LEOPARD Syndrome. Identifiers: Orphanet 500, MedGen C1969056, MONDO:0012691, OMIM 611554.
Noonan syndrome 5 (NS5). Also called: RAF1-Related Noonan Syndrome. Identifiers: Orphanet 648, MedGen C1969057, MONDO:0012690, OMIM 611553. Disease mechanism: gain of function.
RASopathy. Also called: Noonan spectrum disorder; rasopathies. Identifiers: Orphanet 536391, MedGen C5555857, MONDO:0021060.
Cardiovascular phenotype. Identifiers: MedGen CN230736.

Allele frequency attached by ClinVar (database versions not stated): gnomAD exomes below 0.00001; TOPMed 0.00001.
gnomAD v4.1: 4 of 1,614,090 alleles (0.00025%); highest among the groups gnomAD compares: Middle Eastern, 0.016%; no homozygotes.

Submissions (7):

Molecular Diagnostic Laboratory for Inherited Cardiovascular Disease, Montreal Heart Institute
Classification: Likely benign. Last evaluated: 2026-03-27. Review status: criteria provided, single submitter. Criteria: ACMG Guidelines, 2015. Collection method: clinical testing. Allele origin: germline. Affected: no.

Ambry Genetics
Classification: Likely benign for Cardiovascular phenotype. Last evaluated: 2025-11-10. Review status: criteria provided, single submitter. Criteria: Ambry Variant Classification Scheme 2023. Collection method: clinical testing. Allele origin: germline.

Labcorp Genetics (formerly Invitae), Labcorp
Classification: Likely benign for RASopathy. Last evaluated: 2024-04-23. Review status: criteria provided, single submitter. Criteria: Invitae Variant Classification Sherloc (09022015). Collection method: clinical testing. Allele origin: germline.

Blueprint Genetics
Classification: Likely benign. Last evaluated: 2022-11-30. Review status: criteria provided, single submitter. Criteria: ACMG Guidelines, 2015. Collection method: clinical testing. Allele origin: germline.

GeneDx
Classification: Likely benign. Last evaluated: 2017-04-28. Review status: criteria provided, single submitter. Criteria: GeneDx Variant Classification (06012015). Collection method: clinical testing. Allele origin: germline. Affected: yes.
Comment: This variant is considered likely benign or benign based on one or more of the following criteria: it is a conservative change, it occurs at a poorly conserved position in the protein, it is predicted to be benign by multiple in silico algorithms, and/or has population frequency not consistent with disease.

Illumina Laboratory Services, Illumina
Classification: Uncertain significance for Noonan syndrome 5. Last evaluated: 2017-04-27. Review status: criteria provided, single submitter. Criteria: ICSL Variant Classification Criteria 13 December 2019. Collection method: clinical testing. Allele origin: germline.

Illumina Laboratory Services, Illumina
Classification: Uncertain significance for LEOPARD syndrome 2. Last evaluated: 2017-04-27. Review status: criteria provided, single submitter. Criteria: ICSL Variant Classification Criteria 13 December 2019. Collection method: clinical testing. Allele origin: germline.

NM_002880.4(RAF1):c.231C>T (p.Ser77=)

Gene: RAF1 (Raf-1 proto-oncogene, serine/threonine kinase; minus strand). Cytogenetic location: 3p25.2.
Variant type: single nucleotide variant.
Coding change: c.231C>T on transcript NM_002880.4 (MANE Select); coding-DNA position 231, C replaced by T.
Protein change: p.Ser77=; no amino-acid change (serine 77 retained).
Molecular consequence: synonymous variant. On other transcripts: non-coding transcript variant (3), intron variant (4).
Genome position (GRCh38, 1-based): chr3:12,612,039, G>A on the plus strand (C>T on the coding strand, the complement: RAF1 is on the minus strand). VCF-style: chr3-12612039-G-A. GRCh37 (hg19) VCF-style: chr3-12653538-G-A.
Other names: c.231C>T, p.Ser77= (NM_001354689.3, NM_001354690.3, NM_001354693.3); c.78-2704C>T (NM_001354695.3, NM_001354692.3, NM_001354694.3 and 1 more transcripts).
Identifiers: ClinVar variation 509193 (VCV000509193.12), dbSNP rs1450510914, ClinGen allele CA432277490.